The following is an entry in ClinVar:

ClinVar aggregate classification (germline): Conflicting classifications of pathogenicity. Review status: criteria provided, conflicting classifications (1 of 4 stars). 2 submissions from 2 submitters: Uncertain significance (1); Benign (1). Last evaluated 2024-05-05.

Conditions:
Congenital contractural arachnodactyly (CCA). Also called: BEALS SYNDROME; Beals-Hecht syndrome; Arthrogryposis, distal, type 9. Identifiers: Orphanet 115, MedGen C0220668, MONDO:0007363, OMIM 121050.

Allele frequency attached by ClinVar (database versions not stated): gnomAD 0.00001; TOPMed 0.00001; ExAC 0.00003; 1000 Genomes Project 0.00040; 1000 Genomes Project 30x 0.00047.
gnomAD v4.1: 23 of 1,613,408 alleles (0.0014%); highest among the groups gnomAD compares: South Asian, 0.024%; no homozygotes.

Submissions (2):

Labcorp Genetics (formerly Invitae), Labcorp
Classification: Benign for Congenital contractural arachnodactyly. Last evaluated: 2024-05-05. Review status: criteria provided, single submitter. Criteria: Invitae Variant Classification Sherloc (09022015). Collection method: clinical testing. Allele origin: germline.

Mayo Clinic Laboratories, Mayo Clinic
Classification: Uncertain significance. Last evaluated: 2022-05-05. Review status: criteria provided, single submitter. Criteria: ACMG Guidelines, 2015. Collection method: clinical testing. Allele origin: germline. Observed: 1 variant allele.
Comment: BS1

NM_001999.4(FBN2):c.6050C>T (p.Thr2017Ile)

Gene: FBN2 (fibrillin 2; minus strand). Cytogenetic location: 5q23.3.
Variant type: single nucleotide variant.
Coding change: c.6050C>T on transcript NM_001999.4 (MANE Select); coding-DNA position 6050, C replaced by T.
Protein change: p.Thr2017Ile; replaces threonine 2017 with isoleucine.
Molecular consequence: missense variant.
Genome position (GRCh38, 1-based): chr5:128,300,933, G>A on the plus strand (C>T on the coding strand, the complement: FBN2 is on the minus strand). VCF-style: chr5-128300933-G-A. GRCh37 (hg19) VCF-style: chr5-127636625-G-A.
Other names: p.Thr2017Ile; short protein forms T2017I.
Identifiers: ClinVar variation 2682903 (VCV002682903.3), dbSNP rs570637550, ClinGen allele CA3394509.
Genomic context (GRCh38, chr5:128,300,933, plus strand): 5'-CCCTCCAAATTCTGACAGGTACCAGGAGAGCAAGAGCCGGGAAGGGCGACACACTCATTA[G>A]TGTCTTTAGAGAAAAAGAAGAGAAAAAATAATTTAAGCATGAGATAATTGTTACATAGAT-3'
Protein context (NP_001990.2, residues 2007-2027): LTPDGKNCID[Thr2017Ile]NECVALPGSC